The following is an entry in ClinVar:

NM_025074.7(FRAS1):c.8132A>G (p.Tyr2711Cys)

Gene: FRAS1 (Fraser extracellular matrix complex subunit 1; plus strand). Cytogenetic location: 4q21.21.
Variant type: single nucleotide variant.
Coding change: c.8132A>G on transcript NM_025074.7 (MANE Select); coding-DNA position 8132, A replaced by G.
Protein change: p.Tyr2711Cys; replaces tyrosine 2711 with cysteine.
Molecular consequence: missense variant.
Genome position (GRCh38, 1-based): chr4:78,479,407, A>G. VCF-style: chr4-78479407-A-G. GRCh37 (hg19) VCF-style: chr4-79400561-A-G.
Other names: short protein forms Y2711C.
Identifiers: ClinVar variation 3629961 (VCV003629961.1).
Genomic context (GRCh38, chr4:78,479,407, plus strand): 5'-TTTGGTTTTTTGCCATTTGTATTTCAGGAGATGCAAGCAGCATTGTATCTGCAATTTGCT[A>G]CACAGTCCCTAAGTCAGCTATGGGAAGTAGCCTCTATGCTCTAGAATCAGGCTCTGATTT-3'
Protein context (NP_079350.5, residues 2701-2721): DASSIVSAIC[Tyr2711Cys]TVPKSAMGSS

ClinVar aggregate classification (germline): Uncertain significance (1 of 4 stars; one submission).

gnomAD v4.1: 2 of 1,529,046 alleles (0.00013%); highest among the groups gnomAD compares: African/African-American, 0.0027%; no homozygotes.

Submission:

Women's Health and Genetics/Laboratory Corporation of America, LabCorp
Classification: Uncertain significance. Last evaluated: 2024-11-20. Review status: criteria provided, single submitter. Criteria: LabCorp Variant Classification Summary - May 2015. Collection method: clinical testing. Allele origin: germline.
Comment: Variant summary: FRAS1 c.8132A>G (p.Tyr2711Cys) results in a non-conservative amino acid change located in the Na-Ca exchangers and integrin-beta4 domain (IPR003644) of the encoded protein sequence. Four of five in-silico tools predict a damaging effect of the variant on protein function. The variant allele was found at a frequency of 5.1e-06 in 197778 control chromosomes (gnomAD). The available data on variant occurrences in the general population are insufficient to allow any conclusion about variant significance. To our knowledge, no occurrence of c.8132A>G in individuals affected with Cryptophthalmos Syndrome and no experimental evidence demonstrating its impact on protein function have been reported. No submitters have cited clinical-significance assessments for this variant to ClinVar. Based on the evidence outlined above, the variant was classified as uncertain significance.